The following is an entry in ClinVar:

NM_024503.5(HIVEP3):c.7023C>T (p.Pro2341=)

Gene: HIVEP3 (HIVEP zinc finger 3; minus strand). Cytogenetic location: 1p34.2.
Variant type: single nucleotide variant.
Coding change: c.7023C>T on transcript NM_024503.5 (MANE Select); coding-DNA position 7023, C replaced by T.
Protein change: p.Pro2341=; no amino-acid change (proline 2341 retained).
Molecular consequence: synonymous variant.
Genome position (GRCh38, 1-based): chr1:41,510,649, G>A on the plus strand (C>T on the coding strand, the complement: HIVEP3 is on the minus strand). VCF-style: chr1-41510649-G-A. GRCh37 (hg19) VCF-style: chr1-41976320-G-A.
Other names: c.7020C>T, p.Pro2340= (NM_001127714.3).
Identifiers: ClinVar variation 3060063 (VCV003060063.2), dbSNP rs12406524, ClinGen allele CA797014.

ClinVar aggregate classification (germline): Benign (0 of 4 stars; one submission).

Conditions:
HIVEP3-related disorder. Also called: HIVEP3-related condition.

Allele frequency attached by ClinVar (database versions not stated): ESP Exome Variant Server 0.00150; gnomAD 0.00667; ExAC 0.00676; TOPMed 0.00806; 1000 Genomes Project 30x 0.01827; 1000 Genomes Project 0.02097.
gnomAD v4.1: 6,171 of 1,537,602 alleles (0.4%); highest among the groups gnomAD compares: East Asian, 8.2%; 183 homozygotes.

Submission:

PreventionGenetics, part of Exact Sciences
Classification: Benign for HIVEP3-related condition. Last evaluated: 2020-01-08. Review status: no assertion criteria provided. Collection method: clinical testing. Allele origin: germline.
Comment: This variant is classified as benign based on ACMG/AMP sequence variant interpretation guidelines (Richards et al. 2015 PMID: 25741868, with internal and published modifications).